The following is an entry in ClinVar:

ClinVar aggregate classification (germline): Uncertain significance (1 of 4 stars; one submission).

gnomAD v4.1: 4 of 1,614,020 alleles (0.00025%); highest among the groups gnomAD compares: African/African-American, 0.0053%; no homozygotes.

Submission:

Labcorp Genetics (formerly Invitae), Labcorp
Classification: Uncertain significance. Last evaluated: 2025-07-03. Review status: criteria provided, single submitter. Criteria: Invitae Variant Classification Sherloc (09022015). Collection method: clinical testing. Allele origin: germline.
Comment: This sequence change replaces leucine, which is neutral and non-polar, with serine, which is neutral and polar, at codon 332 of the RNF31 protein (p.Leu332Ser). This variant is present in population databases (no rsID available, gnomAD 0.01%). This variant has not been reported in the literature in individuals affected with RNF31-related conditions. ClinVar contains an entry for this variant (Variation ID: 3672802). An algorithm developed to predict the effect of missense changes on protein structure and function outputs the following: PolyPhen-2: "Benign". The serine amino acid residue is found in multiple mammalian species, which suggests that this missense change does not adversely affect protein function. In summary, the available evidence is currently insufficient to determine the role of this variant in disease. Therefore, it has been classified as a Variant of Uncertain Significance.

NM_017999.5(RNF31):c.995T>C (p.Leu332Ser)

Gene: RNF31 (ring finger protein 31; plus strand). Cytogenetic location: 14q12.
Variant type: single nucleotide variant.
Coding change: c.995T>C on transcript NM_017999.5 (MANE Select); coding-DNA position 995, T replaced by C.
Protein change: p.Leu332Ser; replaces leucine 332 with serine.
Molecular consequence: missense variant.
Genome position (GRCh38, 1-based): chr14:24,150,246, T>C. VCF-style: chr14-24150246-T-C. GRCh37 (hg19) VCF-style: chr14-24619455-T-C.
Other names: c.542T>C, p.Leu181Ser (NM_001310332.2); short protein forms L181S, L332S.
Identifiers: ClinVar variation 3672802 (VCV003672802.2).